The following is an entry in ClinVar:

NM_194248.3(OTOF):c.1961G>A (p.Arg654Gln)

Gene: OTOF (otoferlin; minus strand). Cytogenetic location: 2p23.3.
Variant type: single nucleotide variant.
Coding change: c.1961G>A on transcript NM_194248.3 (MANE Select); coding-DNA position 1961, G replaced by A.
Protein change: p.Arg654Gln; replaces arginine 654 with glutamine.
Molecular consequence: missense variant.
Genome position (GRCh38, 1-based): chr2:26,479,605, C>T on the plus strand (G>A on the coding strand, the complement: OTOF is on the minus strand). VCF-style: chr2-26479605-C-T. GRCh37 (hg19) VCF-style: chr2-26702473-C-T.
Other names: c.1961G>A, p.Arg654Gln (NM_001287489.2); short protein forms R654Q.
Identifiers: ClinVar variation 48181 (VCV000048181.16), dbSNP rs184605839, ClinGen allele CA142770.

ClinVar aggregate classification (germline): Conflicting classifications of pathogenicity. Review status: criteria provided, conflicting classifications (1 of 4 stars). 5 submissions from 5 submitters: Uncertain significance (1); Benign (2); Likely benign (2). Last evaluated 2026-01-26.

Conditions:
Autosomal recessive nonsyndromic hearing loss 9. Also called: NEUROSENSORY NONSYNDROMIC RECESSIVE DEAFNESS 9; AUDITORY NEUROPATHY, AUTOSOMAL RECESSIVE, 1, TEMPERATURE-SENSITIVE; OTOF-Related Hearing Loss; Deafness, autosomal recessive 9. Identifiers: Orphanet 90636, MedGen C1832828, MONDO:0010986, OMIM 601071.

Allele frequency attached by ClinVar (database versions not stated): ESP Exome Variant Server 0.00031; gnomAD 0.00048; ExAC 0.00059; TOPMed 0.00066; 1000 Genomes Project 0.00100; 1000 Genomes Project 30x 0.00125.
gnomAD v4.1: 623 of 1,612,422 alleles (0.039%); highest among the groups gnomAD compares: East Asian, 0.46%; 1 homozygote.

Submissions (5):

Labcorp Genetics (formerly Invitae), Labcorp
Classification: Benign. Last evaluated: 2026-01-26. Review status: criteria provided, single submitter. Criteria: Invitae Variant Classification Sherloc (09022015). Collection method: clinical testing. Allele origin: germline.

Blueprint Genetics
Classification: Likely benign. Last evaluated: 2024-11-25. Review status: criteria provided, single submitter. Criteria: ACMG Guidelines, 2015. Collection method: clinical testing. Allele origin: germline.

GeneDx
Classification: Likely benign. Last evaluated: 2020-09-28. Review status: criteria provided, single submitter. Criteria: GeneDx Variant Classification Process June 2021. Collection method: clinical testing. Allele origin: germline. Affected: yes.
Comment: This variant is associated with the following publications: (PMID: 31095577)

Illumina Laboratory Services, Illumina
Classification: Uncertain significance for Autosomal recessive nonsyndromic hearing loss 9. Last evaluated: 2018-01-12. Review status: criteria provided, single submitter. Criteria: ICSL Variant Classification Criteria 13 December 2019. Collection method: clinical testing. Allele origin: germline.

Laboratory for Molecular Medicine, Mass General Brigham Personalized Medicine
Classification: Benign. Last evaluated: 2016-06-21. Review status: criteria provided, single submitter. Criteria: LMM Criteria. Collection method: clinical testing. Allele origin: germline. Observed: 2 variant alleles.
Comment: p.Arg654Gln in exon 17 of OTOF: This variant is not expected to have clinical si gnificance because it has been identified in 0.6% (48/8588) of European chromoso mes by the Exome Aggregation Consortium (ExAC; d bSNP rs184605839).